The following is an entry in ClinVar:

ClinVar aggregate classification (germline): Uncertain significance (1 of 4 stars; one submission).

Conditions:
Inborn genetic diseases. Identifiers: MedGen C0950123, MeSH D030342.

Submission:

Ambry Genetics
Classification: Uncertain significance for Inborn genetic diseases. Last evaluated: 2021-07-05. Review status: criteria provided, single submitter. Criteria: Ambry Variant Classification Scheme 2023. Collection method: clinical testing. Allele origin: germline.
Comment: The p.G452V variant (also known as c.1355G>T), located in coding exon 10 of the EPAS1 gene, results from a G to T substitution at nucleotide position 1355. The glycine at codon 452 is replaced by valine, an amino acid with dissimilar properties. This amino acid position is conserved. In addition, this alteration is predicted to be tolerated by in silico analysis. Since supporting evidence is limited at this time, the clinical significance of this alteration remains unclear.

NM_001430.5(EPAS1):c.1355G>T (p.Gly452Val)

Gene: EPAS1 (endothelial PAS domain protein 1; plus strand). Cytogenetic location: 2p21.
Variant type: single nucleotide variant.
Coding change: c.1355G>T on transcript NM_001430.5 (MANE Select); coding-DNA position 1355, G replaced by T.
Protein change: p.Gly452Val; replaces glycine 452 with valine.
Molecular consequence: missense variant.
Genome position (GRCh38, 1-based): chr2:46,377,999, G>T. VCF-style: chr2-46377999-G-T. GRCh37 (hg19) VCF-style: chr2-46605138-G-T.
Other names: short protein forms G452V.
Identifiers: ClinVar variation 1770690 (VCV001770690.2), dbSNP rs2546473570, ClinGen allele CA346703911.